The following is an entry in ClinVar:

ClinVar aggregate classification (germline): Uncertain significance (1 of 4 stars; one submission).

Conditions:
Inborn genetic diseases. Identifiers: MedGen C0950123, MeSH D030342.

Allele frequency attached by ClinVar (database versions not stated): gnomAD exomes 0.00001.

Submission:

Ambry Genetics
Classification: Uncertain significance for Inborn genetic diseases. Last evaluated: 2020-12-29. Review status: criteria provided, single submitter. Criteria: Ambry Variant Classification Scheme 2023. Collection method: clinical testing. Allele origin: germline.
Comment: The c.266G>A (p.G89D) alteration is located in exon 1 (coding exon 1) of the PPP1R15B gene. This alteration results from a G to A substitution at nucleotide position 266, causing the glycine (G) at amino acid position 89 to be replaced by an aspartic acid (D). The p.G89D alteration is predicted to be tolerated by in silico analysis. Based on insufficient or conflicting evidence, the clinical significance of this alteration remains unclear.

NM_032833.5(PPP1R15B):c.266G>A (p.Gly89Asp)

Gene: PPP1R15B (protein phosphatase 1 regulatory subunit 15B; minus strand). Cytogenetic location: 1q32.1.
Variant type: single nucleotide variant.
Coding change: c.266G>A on transcript NM_032833.5 (MANE Select); coding-DNA position 266, G replaced by A.
Protein change: p.Gly89Asp; replaces glycine 89 with aspartic acid.
Molecular consequence: missense variant.
Genome position (GRCh38, 1-based): chr1:204,411,146, C>T on the plus strand (G>A on the coding strand, the complement: PPP1R15B is on the minus strand). VCF-style: chr1-204411146-C-T. GRCh37 (hg19) VCF-style: chr1-204380274-C-T.
Other names: short protein forms G89D.
Identifiers: ClinVar variation 2228399 (VCV002228399.2), dbSNP rs2526511716, ClinGen allele CA344356386.